The following is an entry in ClinVar:

ClinVar aggregate classification (germline): Uncertain significance (1 of 4 stars; one submission).

Conditions:
Myopathy with tubular aggregates (TAM). Also called: Tubular Aggregate Myopathy. Identifiers: Orphanet 2593, MedGen C0410207, MONDO:0008051.
Combined immunodeficiency due to STIM1 deficiency. Also called: IMMUNODEFICIENCY 10; STIM1 DEFICIENCY. Identifiers: Orphanet 169090, Orphanet 317430, MedGen C2748557, MONDO:0013008, OMIM 612783.
Stormorken syndrome (STRMK). Also called: THROMBOCYTOPATHY, ASPLENIA, AND MIOSIS. Identifiers: Orphanet 3204, MedGen C1861451, MONDO:0008497, OMIM 185070.

gnomAD v4.1: 1 of 1,614,182 alleles (0.000062%); highest among the groups gnomAD compares: Non-Finnish European, 0.000085%; no homozygotes.

Submission:

Labcorp Genetics (formerly Invitae), Labcorp
Classification: Uncertain significance for Myopathy with tubular aggregates; Combined immunodeficiency due to STIM1 deficiency; Stormorken syndrome. Last evaluated: 2024-08-12. Review status: criteria provided, single submitter. Criteria: Invitae Variant Classification Sherloc (09022015). Collection method: clinical testing. Allele origin: germline.
Comment: This sequence change replaces alanine, which is neutral and non-polar, with serine, which is neutral and polar, at codon 577 of the STIM1 protein (p.Ala577Ser). This variant is not present in population databases (gnomAD no frequency). This variant has not been reported in the literature in individuals affected with STIM1-related conditions. Advanced modeling of protein sequence and biophysical properties (such as structural, functional, and spatial information, amino acid conservation, physicochemical variation, residue mobility, and thermodynamic stability) performed at Invitae indicates that this missense variant is not expected to disrupt STIM1 protein function with a negative predictive value of 80%. In summary, the available evidence is currently insufficient to determine the role of this variant in disease. Therefore, it has been classified as a Variant of Uncertain Significance.

NM_001382567.1(STIM1):c.1822G>T (p.Ala608Ser)

Genes: STIM1 (stromal interaction molecule 1; plus strand), LOC124418421 (Sharpr-MPRA regulatory region 9588; plus strand). Cytogenetic location: 11p15.4.
Variant type: single nucleotide variant.
Coding change: c.1822G>T on transcript NM_001382567.1 (MANE Select); coding-DNA position 1822, G replaced by T.
Protein change: p.Ala608Ser; replaces alanine 608 with serine.
Molecular consequence: missense variant. On other transcripts: 3 prime UTR variant (4), non-coding transcript variant (3).
Genome position (GRCh38, 1-based): chr11:4,091,469, G>T. VCF-style: chr11-4091469-G-T. GRCh37 (hg19) VCF-style: chr11-4112699-G-T.
Other names: c.2047G>T, p.Ala683Ser (NM_001277961.3); c.*143G>T (NM_001277962.2, NM_001382578.1, NM_001382579.1 and 1 more transcripts); c.1825G>T, p.Ala609Ser (NM_001382566.1); c.1750G>T, p.Ala584Ser (NM_001382568.1); c.1594G>T, p.Ala532Ser (NM_001382569.1); c.1501G>T, p.Ala501Ser (NM_001382570.1); c.1249G>T, p.Ala417Ser (NM_001382571.1); c.1507G>T, p.Ala503Ser (NM_001382575.1, NM_001382576.1, NM_001382577.1); and 2 more; short protein forms A414S, A417S, A501S, A503S, A532S, A577S, A584S, A608S.
Identifiers: ClinVar variation 3757646 (VCV003757646.2).